The following is an entry in ClinVar:

NM_015046.7(SETX):c.7840G>A (p.Glu2614Lys)

Gene: SETX (senataxin; minus strand). Cytogenetic location: 9q34.13.
Variant type: single nucleotide variant.
Coding change: c.7840G>A on transcript NM_015046.7 (MANE Select); coding-DNA position 7840, G replaced by A.
Protein change: p.Glu2614Lys; replaces glutamic acid 2614 with lysine.
Molecular consequence: missense variant.
Genome position (GRCh38, 1-based): chr9:132,264,433, C>T on the plus strand (G>A on the coding strand, the complement: SETX is on the minus strand). VCF-style: chr9-132264433-C-T. GRCh37 (hg19) VCF-style: chr9-135139820-C-T.
Other names: c.7840G>A, p.Glu2614Lys (NM_001351527.2); c.7927G>A, p.Glu2643Lys (NM_001351528.2); short protein forms E2614K, E2643K.
Identifiers: ClinVar variation 2169230 (VCV002169230.31), dbSNP rs539033545, ClinGen allele CA5296306.

ClinVar aggregate classification (germline): Conflicting classifications of pathogenicity. Review status: criteria provided, conflicting classifications (1 of 4 stars). 2 submissions from 2 submitters: Uncertain significance (1); Benign (1). Last evaluated 2023-04-01.

Conditions:
Amyotrophic lateral sclerosis type 4 (ALS4). Also called: NEURONOPATHY, DISTAL HEREDITARY MOTOR, WITH PYRAMIDAL FEATURES; AMYOTROPHIC LATERAL SCLEROSIS 4, JUVENILE. Identifiers: Orphanet 357043, MedGen C1865409, MONDO:0011223, OMIM 602433.
Spinocerebellar ataxia, autosomal recessive, with axonal neuropathy 2 (SCAN2). Also called: Ataxia with Oculomotor Apraxia Type 2; Ataxia with Oculomotor Apraxia; ATAXIA-OCULOMOTOR APRAXIA 2; Ataxia-ocular apraxia-2. Identifiers: Orphanet 64753, MedGen C1853761, MONDO:0018996, OMIM 606002.

Allele frequency attached by ClinVar (database versions not stated): gnomAD exomes below 0.00001; ExAC 0.00001; gnomAD 0.00001; TOPMed 0.00001; 1000 Genomes Project 30x 0.00016; 1000 Genomes Project 0.00020.
gnomAD v4.1: 7 of 1,611,116 alleles (0.00043%); highest among the groups gnomAD compares: African/African-American, 0.0027%; no homozygotes.

Submissions (2):

CeGaT Center for Human Genetics Tuebingen
Classification: Uncertain significance. Last evaluated: 2023-04-01. Review status: criteria provided, single submitter. Criteria: CeGaT Center For Human Genetics Tuebingen Variant Classification Criteria Version 2. Collection method: clinical testing. Allele origin: germline. Affected: yes. Observed: 1 variant allele.
Comment: SETX: PM2:Supporting, BP4

Labcorp Genetics (formerly Invitae), Labcorp
Classification: Benign for Amyotrophic lateral sclerosis type 4; Spinocerebellar ataxia, autosomal recessive, with axonal neuropathy 2. Last evaluated: 2022-07-03. Review status: criteria provided, single submitter. Criteria: Invitae Variant Classification Sherloc (09022015). Collection method: clinical testing. Allele origin: germline.